The following is an entry in ClinVar:

ClinVar aggregate classification (germline): Uncertain significance (1 of 4 stars; one submission).

Conditions:
Long QT syndrome (LQTS). Identifiers: MedGen C0023976, MeSH D008133, MONDO:0002442. Disease mechanism: loss of function. Inheritance: Various modes of inheritance.

Submission:

Labcorp Genetics (formerly Invitae), Labcorp
Classification: Uncertain significance for Long QT syndrome. Last evaluated: 2021-10-29. Review status: criteria provided, single submitter. Criteria: Invitae Variant Classification Sherloc (09022015). Collection method: clinical testing. Allele origin: germline.
Comment: In summary, the available evidence is currently insufficient to determine the role of this variant in disease. Therefore, it has been classified as a Variant of Uncertain Significance. This variant has not been reported in the literature in individuals affected with CACNA1C-related conditions. This variant results in a copy number gain of the genomic region encompassing exon(s) 44-45 of the CACNA1C gene. While the exact position of this variant cannot be determined from the data, sub-genic copy number gains are generally in tandem (PMID: 25640679). This variant is predicted to be out-of-frame, and may result in an absent or disrupted protein product. However, the current clinical and genetic evidence is not sufficient to establish whether loss-of-function variants in CACNA1C cause disease.

Literature cited by the submitters: PubMed 25640679.

NC_000012.11:g.(?_2794882)_(2795455_?)dup

Gene: CACNA1C (calcium voltage-gated channel subunit alpha1 C; plus strand). Cytogenetic location: 12p13.33.
Variant type: Duplication.
Identifiers: ClinVar variation 2423372 (VCV002423372.5).